The following is an entry in ClinVar:

ClinVar aggregate classification (germline): Uncertain significance (1 of 4 stars; one submission).

gnomAD v4.1: 9 of 1,566,154 alleles (0.00057%); highest among the groups gnomAD compares: Non-Finnish European, 0.00078%; no homozygotes.

Submission:

Labcorp Genetics (formerly Invitae), Labcorp
Classification: Uncertain significance. Last evaluated: 2025-04-09. Review status: criteria provided, single submitter. Criteria: Invitae Variant Classification Sherloc (09022015). Collection method: clinical testing. Allele origin: germline.
Comment: This sequence change falls in intron 5 of the SEC61A1 gene. It does not directly change the encoded amino acid sequence of the SEC61A1 protein. It affects a nucleotide within the consensus splice site. This variant is present in population databases (rs767385594, gnomAD 0.003%). This variant has not been reported in the literature in individuals affected with SEC61A1-related conditions. Variants that disrupt the consensus splice site are a relatively common cause of aberrant splicing (PMID: 17576681, 9536098). Algorithms developed to predict the effect of sequence changes on RNA splicing suggest that this variant is not likely to affect RNA splicing. In summary, the available evidence is currently insufficient to determine the role of this variant in disease. Therefore, it has been classified as a Variant of Uncertain Significance.

Literature cited by the submitters: PubMed 17576681; PubMed 9536098.

NM_013336.4(SEC61A1):c.352+6A>G

Gene: SEC61A1 (SEC61 translocon subunit alpha 1; plus strand). Cytogenetic location: 3q21.3.
Variant type: single nucleotide variant.
Coding change: c.352+6A>G on transcript NM_013336.4 (MANE Select); 6 bases into the intron after coding-DNA position 352, A replaced by G.
Molecular consequence: intron variant.
Genome position (GRCh38, 1-based): chr3:128,056,846, A>G. VCF-style: chr3-128056846-A-G. GRCh37 (hg19) VCF-style: chr3-127775689-A-G.
Other names: c.370+6A>G (NM_001400328.1); c.193+6A>G (NM_001400329.1).
Identifiers: ClinVar variation 4775976 (VCV004775976.1).